The following is an entry in ClinVar:

NM_005732.4(RAD50):c.1471G>T (p.Ala491Ser)

Gene: RAD50 (RAD50 double strand break repair protein; plus strand). Cytogenetic location: 5q31.1.
Variant type: single nucleotide variant.
Coding change: c.1471G>T on transcript NM_005732.4 (MANE Select); coding-DNA position 1471, G replaced by T.
Protein change: p.Ala491Ser; replaces alanine 491 with serine.
Molecular consequence: missense variant.
Genome position (GRCh38, 1-based): chr5:132,591,242, G>T. VCF-style: chr5-132591242-G-T. GRCh37 (hg19) VCF-style: chr5-131926934-G-T.
Other names: short protein forms A491S.
Identifiers: ClinVar variation 956852 (VCV000956852.10), dbSNP rs876658967, ClinGen allele CA360945486.
Genomic context (GRCh38, chr5:132,591,242, plus strand): 5'-AAAATATATAACACCTTTGCATTTGTATGAATTATTGACTAGGAACGTGAGTTAAGCAAG[G>T]CTGAGAAAAACAGCAATGTAGAAACCTTAAAAATGGAAGTAATAAGTCTCCAAAATGAAA-3'
Protein context (NP_005723.2, residues 481-501): LIKAERELSK[Ala491Ser]EKNSNVETLK

ClinVar aggregate classification (germline): Uncertain significance (1 of 4 stars; one submission).

Conditions:
Hereditary cancer-predisposing syndrome. Also called: Hereditary neoplastic syndrome; Tumor predisposition; Neoplastic Syndromes, Hereditary; Hereditary Cancer Syndrome. Identifiers: Orphanet 140162, MedGen C0027672, MeSH D009386, MONDO:0015356.

Submission:

Labcorp Genetics (formerly Invitae), Labcorp
Classification: Uncertain significance for Hereditary cancer-predisposing syndrome. Last evaluated: 2019-10-31. Review status: criteria provided, single submitter. Criteria: Invitae Variant Classification Sherloc (09022015). Collection method: clinical testing. Allele origin: germline.
Comment: This sequence change replaces alanine with serine at codon 491 of the RAD50 protein (p.Ala491Ser). The alanine residue is moderately conserved and there is a moderate physicochemical difference between alanine and serine. This variant is not present in population databases (ExAC no frequency). This variant has not been reported in the literature in individuals with RAD50-related conditions. Algorithms developed to predict the effect of missense changes on protein structure and function (SIFT, PolyPhen-2, Align-GVGD) all suggest that this variant is likely to be tolerated, but these predictions have not been confirmed by published functional studies and their clinical significance is uncertain. In summary, the available evidence is currently insufficient to determine the role of this variant in disease. Therefore, it has been classified as a Variant of Uncertain Significance.